The following is an entry in ClinVar:

NM_002734.5(PRKAR1A):c.374T>C (p.Met125Thr)

Gene: PRKAR1A (protein kinase cAMP-dependent type I regulatory subunit alpha; plus strand). Cytogenetic location: 17q24.2.
Variant type: single nucleotide variant.
Coding change: c.374T>C on transcript NM_002734.5 (MANE Select); coding-DNA position 374, T replaced by C.
Protein change: p.Met125Thr; replaces methionine 125 with threonine.
Molecular consequence: missense variant.
Genome position (GRCh38, 1-based): chr17:68,523,750, T>C. VCF-style: chr17-68523750-T-C. GRCh37 (hg19) VCF-style: chr17-66519891-T-C.
Other names: c.374T>C, p.Met125Thr (NM_001276289.2, NM_001276290.1, NM_001278433.2 and 4 more transcripts); short protein forms M125T.
Identifiers: ClinVar variation 4862519 (VCV004862519.1).

ClinVar aggregate classification (germline): Uncertain significance (1 of 4 stars; one submission).

Conditions:
Hereditary cancer-predisposing syndrome. Also called: Neoplastic Syndromes, Hereditary; Tumor predisposition; Hereditary Cancer Syndrome; Hereditary neoplastic syndrome. Identifiers: Orphanet 140162, MedGen C0027672, MeSH D009386, MONDO:0015356.

Submission:

Ambry Genetics
Classification: Uncertain significance for Hereditary cancer-predisposing syndrome. Last evaluated: 2026-05-14. Review status: criteria provided, single submitter. Criteria: Ambry Variant Classification Scheme 2023. Collection method: clinical testing. Allele origin: germline.
Comment: The p.M125T variant (also known as c.374T>C), located in coding exon 3 of the PRKAR1A gene, results from a T to C substitution at nucleotide position 374. The methionine at codon 125 is replaced by threonine, an amino acid with similar properties. This amino acid position is conserved. In addition, this alteration is predicted to be deleterious by in silico analysis. Based on the available evidence, the clinical significance of this variant remains unclear.